The following is an entry in ClinVar:

NM_030777.4(SLC2A10):c.587A>T (p.Lys196Met)

Gene: SLC2A10 (solute carrier family 2 member 10; plus strand). Cytogenetic location: 20q13.12.
Variant type: single nucleotide variant.
Coding change: c.587A>T on transcript NM_030777.4 (MANE Select); coding-DNA position 587, A replaced by T.
Protein change: p.Lys196Met; replaces lysine 196 with methionine.
Molecular consequence: missense variant.
Genome position (GRCh38, 1-based): chr20:46,725,623, A>T. VCF-style: chr20-46725623-A-T. GRCh37 (hg19) VCF-style: chr20-45354262-A-T.
Other names: p.K196M:AAG>ATG; short protein forms K196M.
Identifiers: ClinVar variation 213714 (VCV000213714.1), dbSNP rs145446653, ClinGen allele CA320063.
Genomic context (GRCh38, chr20:46,725,623, plus strand): 5'-TCCTGCAATCCCTCAGCCTCCTCTTCCTCCCTGCTGGTACAGATGAGACTGCAACACACA[A>T]GGACCTCATCCCACTCCAGGGAGGTGAGGCCCCCAAGCTGGGCCCGGGGAGGCCACGGTA-3'
Protein context (NP_110404.1, residues 186-206): PAGTDETATH[Lys196Met]DLIPLQGGEA

ClinVar aggregate classification (germline): Likely benign (1 of 4 stars; one submission).

Allele frequency attached by ClinVar (database versions not stated): gnomAD 0.00001; gnomAD exomes 0.00002 and 0.00005; TOPMed 0.00002; ExAC 0.00003; ESP Exome Variant Server 0.00015.
gnomAD v4.1: 74 of 1,614,034 alleles (0.0046%); highest among the groups gnomAD compares: Non-Finnish European, 0.0059%; no homozygotes.

Submission:

GeneDx
Classification: Likely benign. Last evaluated: 2015-03-24. Review status: criteria provided, single submitter. Criteria: GeneDx Variant Classification (06012015). Collection method: clinical testing. Allele origin: germline. Affected: yes.
Comment: This variant is considered likely benign or benign based on one or more of the following criteria: it is a conservative change, it occurs at a poorly conserved position in the protein, it is predicted to be benign by multiple in silico algorithms, and/or has population frequency not consistent with disease.